The following is an entry in ClinVar:

NM_144670.6(A2ML1):c.680A>G (p.Lys227Arg)

Gene: A2ML1 (alpha-2-macroglobulin like 1; plus strand). Cytogenetic location: 12p13.31.
Variant type: single nucleotide variant.
Coding change: c.680A>G on transcript NM_144670.6 (MANE Select); coding-DNA position 680, A replaced by G.
Protein change: p.Lys227Arg; replaces lysine 227 with arginine.
Molecular consequence: missense variant.
Genome position (GRCh38, 1-based): chr12:8,836,291, A>G. VCF-style: chr12-8836291-A-G. GRCh37 (hg19) VCF-style: chr12-8988887-A-G.
Other names: c.680A>G (NM_144670.3); short protein forms K227R.
Identifiers: ClinVar variation 1035145 (VCV001035145.9), dbSNP rs750612606, ClinGen allele CA6435393.

ClinVar aggregate classification (germline): Uncertain significance. Review status: criteria provided, multiple submitters, no conflicts (2 of 4 stars). 2 submissions from 2 submitters: Uncertain significance (2). Last evaluated 2025-06-28.

Allele frequency attached by ClinVar (database versions not stated): gnomAD exomes 0.00001; ExAC 0.00002.
gnomAD v4.1: 16 of 1,614,084 alleles (0.00099%); highest among the groups gnomAD compares: South Asian, 0.011%; no homozygotes.

Submissions (2):

Ambry Genetics
Classification: Uncertain significance. Last evaluated: 2025-06-28. Review status: criteria provided, single submitter. Criteria: Ambry Variant Classification Scheme 2023. Collection method: clinical testing. Allele origin: germline.
Comment: The p.K227R variant (also known as c.680A>G), located in coding exon 7 of the A2ML1 gene, results from an A to G substitution at nucleotide position 680. The lysine at codon 227 is replaced by arginine, an amino acid with highly similar properties. This amino acid position is conserved. In addition, this alteration is predicted to be tolerated by in silico analysis. Based on the available evidence, the clinical significance of this variant remains unclear.

Labcorp Genetics (formerly Invitae), Labcorp
Classification: Uncertain significance. Last evaluated: 2020-05-22. Review status: criteria provided, single submitter. Criteria: Invitae Variant Classification Sherloc (09022015). Collection method: clinical testing. Allele origin: germline.
Comment: In summary, the available evidence is currently insufficient to determine the role of this variant in disease. Therefore, it has been classified as a Variant of Uncertain Significance. Algorithms developed to predict the effect of missense changes on protein structure and function output the following: SIFT: "Tolerated"; PolyPhen-2: "Benign"; Align-GVGD: "Class C0". The arginine amino acid residue is found in multiple mammalian species, suggesting that this missense change does not adversely affect protein function. These predictions have not been confirmed by published functional studies and their clinical significance is uncertain. This variant has not been reported in the literature in individuals with A2ML1-related conditions. This variant is present in population databases (rs750612606, ExAC 0.02%). This sequence change replaces lysine with arginine at codon 227 of the A2ML1 protein (p.Lys227Arg). The lysine residue is moderately conserved and there is a small physicochemical difference between lysine and arginine.